The following is an entry in ClinVar:

ClinVar aggregate classification (germline): Uncertain significance (1 of 4 stars; one submission).

Conditions:
Idiopathic generalized epilepsy. Also called: EIG; Generalised epilepsy. Identifiers: MedGen C0270850, MONDO:0005579, OMIM 600669.
Hyperaldosteronism, familial, type IV (HALD4). Also called: FH IV; ALDOSTERONISM, PRIMARY, AND HYPERTENSION. Identifiers: Orphanet 642671, MedGen C4310756, MONDO:0014875, OMIM 617027.

Allele frequency attached by ClinVar (database versions not stated): gnomAD 0.00001.

Submission:

Labcorp Genetics (formerly Invitae), Labcorp
Classification: Uncertain significance for Idiopathic generalized epilepsy; Hyperaldosteronism, familial, type IV. Last evaluated: 2022-07-06. Review status: criteria provided, single submitter. Criteria: Invitae Variant Classification Sherloc (09022015). Collection method: clinical testing. Allele origin: germline.
Comment: In summary, the available evidence is currently insufficient to determine the role of this variant in disease. Therefore, it has been classified as a Variant of Uncertain Significance. Advanced modeling of protein sequence and biophysical properties (such as structural, functional, and spatial information, amino acid conservation, physicochemical variation, residue mobility, and thermodynamic stability) performed at Invitae indicates that this missense variant is not expected to disrupt CACNA1H protein function. This variant has not been reported in the literature in individuals affected with CACNA1H-related conditions. This variant is not present in population databases (gnomAD no frequency). This sequence change replaces alanine, which is neutral and non-polar, with aspartic acid, which is acidic and polar, at codon 2004 of the CACNA1H protein (p.Ala2004Asp).

NM_021098.3(CACNA1H):c.6011C>A (p.Ala2004Asp)

Gene: CACNA1H (calcium voltage-gated channel subunit alpha1 H; plus strand). Cytogenetic location: 16p13.3.
Variant type: single nucleotide variant.
Coding change: c.6011C>A on transcript NM_021098.3 (MANE Select); coding-DNA position 6011, C replaced by A.
Protein change: p.Ala2004Asp; replaces alanine 2004 with aspartic acid.
Molecular consequence: missense variant.
Genome position (GRCh38, 1-based): chr16:1,219,093, C>A. VCF-style: chr16-1219093-C-A. GRCh37 (hg19) VCF-style: chr16-1269093-C-A.
Other names: c.5993C>A, p.Ala1998Asp (NM_001005407.2); short protein forms A2004D, A1998D.
Identifiers: ClinVar variation 2079451 (VCV002079451.4), dbSNP rs1282479266, ClinGen allele CA394148479.